The following is an entry in ClinVar:

NM_007078.3(LDB3):c.408G>A (p.Pro136=)

Gene: LDB3 (LIM domain binding 3; plus strand). Cytogenetic location: 10q23.2.
Variant type: single nucleotide variant.
Coding change: c.408G>A on transcript NM_007078.3 (MANE Select); coding-DNA position 408, G replaced by A.
Protein change: p.Pro136=; no amino-acid change (proline 136 retained).
Molecular consequence: synonymous variant. On other transcripts: intron variant (5).
Genome position (GRCh38, 1-based): chr10:86,681,522, G>A. VCF-style: chr10-86681522-G-A. GRCh37 (hg19) VCF-style: chr10-88441279-G-A.
Other names: c.408G>A, p.Pro136= (NM_001080115.2, NM_001171610.2, NM_001171611.2 and 3 more transcripts); c.321+1365G>A (NM_001368068.1, NM_001368066.1, NM_001080114.2 and 2 more transcripts); c.408G>A (NM_001171610.1).
Identifiers: ClinVar variation 1142895 (VCV001142895.13), dbSNP rs375626151, ClinGen allele CA5584696.
Genomic context (GRCh38, chr10:86,681,522, plus strand): 5'-CCTGGTGGCACCCAGCCCCAGCCCTGAGGCGAGGGCCAGCCCAGGCACCCCAGGCACCCC[G>A]GAGCTCAGGCCCACCTTTAGCCCTGCCTTCTCCCGGCCCTCCGCCTTCTCCTCACTCGCC-3'
Protein context (NP_009009.1, residues 126-146): ARASPGTPGT[Pro136=]ELRPTFSPAF

ClinVar aggregate classification (germline): Likely benign. Review status: criteria provided, multiple submitters, no conflicts (2 of 4 stars). 3 submissions from 3 submitters: Likely benign (2). 1 of the submissions does not count toward it. Last evaluated 2024-02-13.

Conditions:
Cardiovascular phenotype. Identifiers: MedGen CN230736.
LDB3-related disorder. Also called: LDB3-related condition.
Myofibrillar myopathy 4. Also called: Zaspopathy (type). Identifiers: Orphanet 98912, MedGen C4721886, MONDO:0012277, OMIM 609452.

Allele frequency attached by ClinVar (database versions not stated): gnomAD exomes below 0.00001; TOPMed below 0.00001.
gnomAD v4.1: 11 of 1,612,044 alleles (0.00068%); highest among the groups gnomAD compares: South Asian, 0.0055%; no homozygotes.

Submissions (3):

Labcorp Genetics (formerly Invitae), Labcorp
Classification: Likely benign for Myofibrillar myopathy 4. Last evaluated: 2024-02-13. Review status: criteria provided, single submitter. Criteria: Invitae Variant Classification Sherloc (09022015). Collection method: clinical testing. Allele origin: germline.

Ambry Genetics
Classification: Likely benign for Cardiovascular phenotype. Last evaluated: 2021-03-04. Review status: criteria provided, single submitter. Criteria: Ambry Variant Classification Scheme 2023. Collection method: clinical testing. Allele origin: germline.

PreventionGenetics, part of Exact Sciences
Classification: Likely benign for LDB3-related condition. Last evaluated: 2024-02-19. Review status: no assertion criteria provided. Collection method: clinical testing. Allele origin: germline. Not counted in ClinVar's aggregate classification.
Comment: This variant is classified as likely benign based on ACMG/AMP sequence variant interpretation guidelines (Richards et al. 2015 PMID: 25741868, with internal and published modifications).